The following is an entry in ClinVar:

ClinVar aggregate classification (germline): Conflicting classifications of pathogenicity. Review status: criteria provided, conflicting classifications (1 of 4 stars). 21 submissions from 20 submitters: Pathogenic (2); Likely pathogenic (4); Uncertain significance (11). 4 of the submissions do not count toward it. Last evaluated 2026-08-18.

Conditions:
Acid sphingomyelinase deficiency. Identifiers: Orphanet 618899, MedGen C5243927, MONDO:0100464.
Niemann-Pick disease, type A. Also called: Infantile Neurovisceral ASMD (Niemann-Pick Disease Type A; NPD-A); SPHINGOMYELIN LIPIDOSIS; SPHINGOMYELINASE DEFICIENCY. Identifiers: Orphanet 77292, MedGen C0268242, MONDO:0009756, OMIM 257200. Disease mechanism: loss of function.
Niemann-Pick disease, type B. Also called: Chronic Visceral ASMD (Niemann-Pick Disease Type B; NPD-B). Identifiers: Orphanet 77293, MedGen C0268243, MONDO:0011871, OMIM 607616. Disease mechanism: loss of function.
Sphingomyelin/cholesterol lipidosis. Also called: Niemann-Pick disease. Identifiers: MedGen C0028064, MONDO:0001982.
SMPD1-related disorder. Also called: SMPD1-related condition.

Allele frequency attached by ClinVar (database versions not stated): TOPMed 0.00032; 1000 Genomes Project 30x 0.00156; 1000 Genomes Project 0.00180.

Submissions 1 to 9 of 21:

PreventionGenetics, part of Exact Sciences
Classification: Uncertain significance for SMPD1-related condition. Last evaluated: 2026-08-18. Review status: criteria provided, single submitter. Criteria: ACMG Guidelines, 2015. Collection method: clinical testing. Allele origin: germline.
Comment: The SMPD1 c.995C>G variant is predicted to result in the amino acid substitution p.Pro332Arg. This variant, also described as p.Pro330Arg in the literature, has been reported in the homozygous and compound heterozygous states in individuals with mild, biochemically-confirmed Niemann-Pick disease type B (See for examples, Wasserstein et al. 2006. PubMed ID: 17011332; Lan et al. 2009. PubMed ID: 19050888). This variant has also been reported in cohort studies of Parkinson's disease or progressive supranuclear palsy (Foo et al. 2013. PubMed ID: 23871123; Table S3, Zhao et al. 2021. PubMed ID: 34867278; Table S2, Ng et al. 2024. PubMed ID: 39149795). This variant is reported in 0.53% of alleles in individuals of East Asian descent in gnomAD, which is higher than expected for a primary disease-causing variant. This variant has conflicting interpretations ranging from likely benign to pathogenic in ClinVar, with the vast majority of institutions classifying it as a variant of uncertain significance (Variation ID: 403463). Although we suspect that this variant may be pathogenic, the clinical significance of this variant is uncertain at this time due to the absence of conclusive functional and genetic evidence.

Labcorp Genetics (formerly Invitae), Labcorp
Classification: Pathogenic for Niemann-Pick disease, type B; Niemann-Pick disease, type A. Last evaluated: 2026-02-02. Review status: criteria provided, single submitter. Criteria: Invitae Variant Classification Sherloc (09022015). Collection method: clinical testing. Allele origin: germline.
Comment: This sequence change replaces proline, which is neutral and non-polar, with arginine, which is basic and polar, at codon 332 of the SMPD1 protein (p.Pro332Arg). This variant is present in population databases (rs202081954, gnomAD 0.5%). This missense change has been observed in individual(s) with Niemann-Pick type B (PMID: 15545621, 17011332; internal data). In at least one individual the data is consistent with being in trans (on the opposite chromosome) from a pathogenic variant. ClinVar contains an entry for this variant (Variation ID: 403463). Invitae Evidence Modeling of protein sequence and biophysical properties (such as structural, functional, and spatial information, amino acid conservation, physicochemical variation, residue mobility, and thermodynamic stability) has been performed for this missense variant. However, the output from this modeling did not meet the statistical confidence thresholds required to predict the impact of this variant on SMPD1 protein function. For these reasons, this variant has been classified as Pathogenic.

Myriad Genetics, Inc.
Classification: Uncertain significance for Acid sphingomyelinase deficiency. Last evaluated: 2025-12-10. Review status: criteria provided, single submitter. Criteria: Myriad Autosomal Dominant, Autosomal Recessive and X-Linked Classification Criteria (2023). Collection method: clinical testing. Allele origin: unknown.
Comment: NM_000543.4(SMPD1):c.995C>G(P332R) is a missense variant classified as a variant of uncertain significance in the context of Niemann-Pick disease, SMPD1-related. P332R has been observed in cases with relevant disease (PMID: 33333704, 38739391, 17011332, 19050888). Relevant functional assessments of this variant are not available in the literature. The frequency of P332R in healthy populations is higher than expected for the disease. In summary, there is insufficient evidence to classify NM_000543.4(SMPD1):c.995C>G(P332R) as pathogenic or benign. Please note: this variant was assessed in the context of healthy population screening.

3billion
Classification: Likely pathogenic for SMPD1-related disorder. Last evaluated: 2025-09-05. Review status: criteria provided, single submitter. Criteria: ACMG Guidelines, 2015. Collection method: clinical testing. Allele origin: germline. Affected: yes.
Comment: The variant is observed at an extremely low frequency in the gnomAD v4.1.0 dataset (total allele frequency: 0.014%). Predicted Consequence/Location: Missense variant In silico tool predictions suggest damaging effect of the variant on gene or gene product [REVEL: 0.89 (>=0.6, sensitivity 0.68 and specificity 0.92)]. The same nucleotide change resulting in the same amino acid change has been previously reported to be associated with SMPD1-related disorder (PMID: 12369017 /3billion dataset). Different missense changes at the same codon (p.Pro332Ala, p.Pro332His, p.Pro332Ser) have been reported as pathogenic/likely pathogenic with strong evidence (ClinVar ID: VCV001957383, VCV002155669, VCV002934614). Therefore, this variant is classified as Likely pathogenic according to the recommendation of ACMG/AMP guideline.

Women's Health and Genetics/Laboratory Corporation of America, LabCorp
Classification: Pathogenic for Sphingomyelin/cholesterol lipidosis. Last evaluated: 2025-05-16. Review status: criteria provided, single submitter. Criteria: LabCorp Variant Classification Summary - May 2015. Collection method: clinical testing. Allele origin: germline.
Comment: Variant summary: SMPD1 c.995C>G (p.Pro332Arg) results in a non-conservative amino acid change located in the acid sphingomyelinase/endopolyphosphatase, metallophosphatase domain (IPR041805) of the encoded protein sequence. Algorithms developed to predict the effect of missense changes on protein structure and function all suggest that this variant is likely to be disruptive. The variant allele was found at a frequency of 0.00045 in 251428 control chromosomes. This frequency is not significantly higher than estimated for a pathogenic variant in SMPD1 causing Niemann-Pick Disease (0.00045 vs 0.0022), allowing no conclusion about variant significance. The observed variant frequency within East Asian control individuals in the gnomAD database is approximately 2.5 fold of the estimated maximal expected allele frequency for a pathogenic variant in SMPD1 causing Niemann-Pick Disease phenotype (0.0022), however no homozygous individuals were reported in this database. c.995C>G has been detected in individuals affected with Niemann-Pick Disease, including at least three homozygous individuals (e.g. Simonaro_2002, Wasserstein_2004, Elliott_2016, Hu_2021, internal data). To our knowledge, no experimental evidence demonstrating an impact on protein function has been reported. The following publications have been ascertained in the context of this evaluation (PMID: 27238910, 23871123, 31980526, 33675270, 12369017, 15545621, 34867278, NO_PMID). ClinVar contains an entry for this variant (Variation ID: 403463). Based on the evidence outlined above, the variant was classified as pathogenic.

Dasa
Classification: Likely pathogenic. Last evaluated: 2025-04-02. Review status: criteria provided, single submitter. Criteria: DASA Assertion Criteria. Collection method: clinical testing. Allele origin: germline.
Comment: NM_000543.5(SMPD1):c.995C>G (p.Pro332Arg) is a missense variant that results in the substitution of proline with arginine. This variant has been observed in affected individuals with SMPD1-related disorders. Also, this variant is rare in population databases. Computational evidence supports a deleterious effect. Based on the currently available evidence, this variant is classified as likely pathogenic.

GeneDx
Classification: Uncertain significance. Last evaluated: 2024-10-31. Review status: criteria provided, single submitter. Criteria: GeneDx Variant Classification Process June 2021. Collection method: clinical testing. Allele origin: germline. Affected: yes.
Comment: Observed in apparent homozygous state or in trans with another variant in SMPD1 in individuals with a diagnosis of NPD-B based on reduced ASM enzyme activity and/or histology consistent with NPD-B without progressive neurologic impairment (PMID: 17011332, 19050888, 32541392); In silico analysis supports that this missense variant has a deleterious effect on protein structure/function; This variant is associated with the following publications: (PMID: 34867278, 23871123, 17011332, 19050888, 32541392, 28166811, Ying2020[Review], 29140481, 28406489, 12369017, 33333704, 1840600, 15545621, 27104957, 26377108, 27238910, 31980526, 27814975, 34572524, 26550340, 19915576, 33675270, 37147621, 38291878, 38866761, 39149795, 38992987, 37435168, 38814650)

Blueprint Genetics
Classification: Uncertain significance. Last evaluated: 2024-02-29. Review status: criteria provided, single submitter. Criteria: ACMG Guidelines, 2015. Collection method: clinical testing. Allele origin: germline.

Revvity Omics, Revvity
Classification: Uncertain significance. Last evaluated: 2023-09-01. Review status: criteria provided, single submitter. Criteria: ACMG Guidelines, 2015. Collection method: clinical testing. Allele origin: germline.

NM_000543.5(SMPD1):c.995C>G (p.Pro332Arg)

Gene: SMPD1 (sphingomyelin phosphodiesterase 1; plus strand). Cytogenetic location: 11p15.4.
Variant type: single nucleotide variant.
Coding change: c.995C>G on transcript NM_000543.5 (MANE Select); coding-DNA position 995, C replaced by G.
Protein change: p.Pro332Arg; replaces proline 332 with arginine.
Molecular consequence: missense variant. On other transcripts: non-coding transcript variant (1).
Genome position (GRCh38, 1-based): chr11:6,392,060, C>G. VCF-style: chr11-6392060-C-G. GRCh37 (hg19) VCF-style: chr11-6413290-C-G.
Other names: c.992C>G, p.Pro331Arg (NM_001007593.3); c.995C>G, p.Pro332Arg (NM_001318087.2, NM_001365135.2); c.34C>G, p.Pro12Ala (NM_001318088.2); short protein forms P332R, P331R, P12A.
Identifiers: ClinVar variation 403463 (VCV000403463.48), dbSNP rs202081954, ClinGen allele CA5852724.
Genomic context (GRCh38, chr11:6,392,060, plus strand): 5'-TGCCAGTGTACCCTGCTGTGGGTAACCATGAAAGCACACCTGTCAATAGCTTCCCTCCCC[C>G]CTTCATTGAGGGCAACCACTCCTCCCGCTGGCTCTATGAAGCGATGGCCAAGGCTTGGGA-3'
Protein context (NP_000534.3, residues 322-342): ESTPVNSFPP[Pro332Arg]FIEGNHSSRW